The following is an entry in ClinVar:

NM_022168.4(IFIH1):c.250C>G (p.Arg84Gly)

Gene: IFIH1 (interferon induced with helicase C domain 1; minus strand). Cytogenetic location: 2q24.2.
Variant type: single nucleotide variant.
Coding change: c.250C>G on transcript NM_022168.4 (MANE Select); coding-DNA position 250, C replaced by G.
Protein change: p.Arg84Gly; replaces arginine 84 with glycine.
Molecular consequence: missense variant.
Genome position (GRCh38, 1-based): chr2:162,318,058, G>C on the plus strand (C>G on the coding strand, the complement: IFIH1 is on the minus strand). VCF-style: chr2-162318058-G-C. GRCh37 (hg19) VCF-style: chr2-163174568-G-C.
Other names: short protein forms R84G.
Identifiers: ClinVar variation 2129027 (VCV002129027.4), dbSNP rs2105238264, ClinGen allele CA349013761.

ClinVar aggregate classification (germline): Uncertain significance (1 of 4 stars; one submission).

Conditions:
Aicardi-Goutieres syndrome 7 (AGS7). Identifiers: Orphanet 51, MedGen C3888244, MONDO:0014367, OMIM 615846.
Singleton-Merten syndrome 1 (SGMRT1). Also called: Widened medullary cavities of bone, aortic calcification, abnormal dentition, and muscular weakness; Syndrome of widened medullary cavities of the metacarpals and phalanges, aortic calcification and abnormal dentition. Identifiers: Orphanet 85191, MedGen C4225427, MONDO:0024535, OMIM 182250.

gnomAD v4.1: 3 of 1,614,176 alleles (0.00019%); highest among the groups gnomAD compares: Non-Finnish European, 0.00025%; no homozygotes.

Submission:

Labcorp Genetics (formerly Invitae), Labcorp
Classification: Uncertain significance for Aicardi-Goutieres syndrome 7; Singleton-Merten syndrome 1. Last evaluated: 2022-09-05. Review status: criteria provided, single submitter. Criteria: Invitae Variant Classification Sherloc (09022015). Collection method: clinical testing. Allele origin: germline.
Comment: This sequence change replaces arginine, which is basic and polar, with glycine, which is neutral and non-polar, at codon 84 of the IFIH1 protein (p.Arg84Gly). In summary, the available evidence is currently insufficient to determine the role of this variant in disease. Therefore, it has been classified as a Variant of Uncertain Significance. Algorithms developed to predict the effect of missense changes on protein structure and function (SIFT, PolyPhen-2, Align-GVGD) all suggest that this variant is likely to be tolerated. This variant has not been reported in the literature in individuals affected with IFIH1-related conditions. This variant is not present in population databases (gnomAD no frequency).